The following is an entry in ClinVar:

NM_000202.8(IDS):c.327G>T (p.Trp109Cys)

Gene: IDS (iduronate 2-sulfatase; minus strand). Cytogenetic location: Xq28.
Variant type: single nucleotide variant.
Coding change: c.327G>T on transcript NM_000202.8 (MANE Select); coding-DNA position 327, G replaced by T.
Protein change: p.Trp109Cys; replaces tryptophan 109 with cysteine.
Molecular consequence: missense variant. On other transcripts: non-coding transcript variant (1).
Genome position (GRCh38, 1-based): chrX:149,503,403, C>A on the plus strand (G>T on the coding strand, the complement: IDS is on the minus strand). VCF-style: chrX-149503403-C-A. GRCh37 (hg19) VCF-style: chrX-148584933-C-A.
Other names: c.57G>T, p.Trp19Cys (NM_001166550.4); c.327G>T, p.Trp109Cys (NM_006123.5); short protein forms W109C, W19C.
Identifiers: ClinVar variation 3255673 (VCV003255673.2).

ClinVar aggregate classification (germline): Likely pathogenic (1 of 4 stars; one submission).

Conditions:
Mucopolysaccharidosis, MPS-II (MPS2). Also called: Hunter Syndrome; IDURONATE 2-SULFATASE DEFICIENCY; Mucopolysaccharidosis Type II; Mucopolysaccharidosis type 2; Attenuated MPS (subtype; formerly known as mild MPS II); Severe MPS II. Identifiers: Orphanet 580, Orphanet 79388, MedGen C0026705, MONDO:0010674, OMIM 309900.

Submission:

Laboratory of Diagnosis and Therapy of Lysosomal Disorders, University of Padova
Classification: Likely pathogenic for Mucopolysaccharidosis, MPS-II. Last evaluated: 2024-06-07. Review status: criteria provided, single submitter. Criteria: ACMG Guidelines, 2015. Collection method: literature only. Allele origin: germline. Affected: yes. Observed: 2 variant alleles.
Comment: Absent from controls (or at low frequency) in gnomAD database (PM2_Moderate), Missense variant in a gene with a low rate of benign missense variation (PP2_Supporting), Multiple lines of computational evidence support a deleterious effect (PP3_Supporting), Patient’s phenotype or family history highly specific for the disease (PP4_Strong)

Classification method: ACMG Guidelines [PMID:25741868] with modifications

Literature cited by the submitters: PubMed 11858372; PubMed 34813777.